The following is an entry in ClinVar:

NM_001510.4(GRID2):c.300G>A (p.Thr100=)

Gene: GRID2 (glutamate ionotropic receptor delta type subunit 2; plus strand). Cytogenetic location: 4q22.2.
Variant type: single nucleotide variant.
Coding change: c.300G>A on transcript NM_001510.4 (MANE Select); coding-DNA position 300, G replaced by A.
Protein change: p.Thr100=; no amino-acid change (threonine 100 retained).
Molecular consequence: synonymous variant. On other transcripts: intron variant (1).
Genome position (GRCh38, 1-based): chr4:93,085,050, G>A. VCF-style: chr4-93085050-G-A. GRCh37 (hg19) VCF-style: chr4-94006201-G-A.
Other names: p.Thr100=; c.245-25698G>A (NM_001286838.1).
Identifiers: ClinVar variation 776000 (VCV000776000.11), dbSNP rs115664626, ClinGen allele CA3011937.

ClinVar aggregate classification (germline): Benign. Review status: criteria provided, multiple submitters, no conflicts (2 of 4 stars). 3 submissions from 3 submitters: Benign (3). Last evaluated 2026-01-27.

Allele frequency attached by ClinVar (database versions not stated): gnomAD exomes 0.00097 and 0.00257; ExAC 0.00314; 1000 Genomes Project 0.00879; 1000 Genomes Project 30x 0.00937; gnomAD 0.00946 and 0.01034; ESP Exome Variant Server 0.01061; TOPMed 0.01067.
gnomAD v4.1: 2,906 of 1,614,058 alleles (0.18%); highest among the groups gnomAD compares: African/African-American, 3.4%; 50 homozygotes.

Submissions (3):

Labcorp Genetics (formerly Invitae), Labcorp
Classification: Benign. Last evaluated: 2026-01-27. Review status: criteria provided, single submitter. Criteria: Invitae Variant Classification Sherloc (09022015). Collection method: clinical testing. Allele origin: germline.

Mayo Clinic Laboratories, Mayo Clinic
Classification: Benign. Last evaluated: 2023-11-06. Review status: criteria provided, single submitter. Criteria: ACMG Guidelines, 2015. Collection method: clinical testing. Allele origin: germline. Observed: 4 variant alleles.
Comment: BA1, BS2, BP4, BP7

Breakthrough Genomics
Classification: Benign. Review status: criteria provided, single submitter. Criteria: ACMG Guidelines, 2015. Collection method: not provided. Allele origin: germline. Inheritance: Autosomal recessive inheritance. Affected: yes.